The following is an entry in ClinVar:

ClinVar aggregate classification (germline): Uncertain significance (1 of 4 stars; one submission).

Submission:

GeneDx
Classification: Uncertain significance. Last evaluated: 2026-04-22. Review status: criteria provided, single submitter. Criteria: GeneDx Variant Classification Process June 2021. Collection method: clinical testing. Allele origin: germline.
Comment: Not observed at significant frequency in large population cohorts (gnomAD); In silico analysis supports that this missense variant has a deleterious effect on protein structure/function; Has not been previously published as pathogenic or benign to our knowledge

NM_078629.4(MSL3):c.752T>G (p.Val251Gly)

Gene: MSL3 (MSL complex subunit 3; plus strand). Cytogenetic location: Xp22.2.
Variant type: single nucleotide variant.
Coding change: c.752T>G on transcript NM_078629.4 (MANE Select); coding-DNA position 752, T replaced by G.
Protein change: p.Val251Gly; replaces valine 251 with glycine.
Molecular consequence: missense variant.
Genome position (GRCh38, 1-based): chrX:11,763,782, T>G. VCF-style: chrX-11763782-T-G. GRCh37 (hg19) VCF-style: chrX-11781901-T-G.
Other names: c.716T>G, p.Val239Gly (NM_001193270.2); c.305T>G, p.Val102Gly (NM_001282174.1); c.254T>G, p.Val85Gly (NM_006800.4); c.752T>G, p.Val251Gly (NM_078628.2); short protein forms V102G, V239G, V251G, V85G.
Identifiers: ClinVar variation 5037422 (VCV005037422.1).